The following is an entry in ClinVar:

ClinVar aggregate classification (germline): Likely benign. Review status: criteria provided, single submitter (1 of 4 stars). 2 submissions from 2 submitters: Likely benign (1). 1 of the submissions does not count toward it. Last evaluated 2022-10-13.

Conditions:
SPECC1L-related disorder. Also called: SPECC1L-related condition.

Allele frequency attached by ClinVar (database versions not stated): gnomAD 0.00011; TOPMed 0.00011; gnomAD exomes 0.00018; ExAC 0.00026; 1000 Genomes Project 30x 0.00047; 1000 Genomes Project 0.00060.
gnomAD v4.1: 274 of 1,614,104 alleles (0.017%); highest among the groups gnomAD compares: East Asian, 0.6%; no homozygotes.

Submissions (2):

Labcorp Genetics (formerly Invitae), Labcorp
Classification: Likely benign. Last evaluated: 2022-10-13. Review status: criteria provided, single submitter. Criteria: Invitae Variant Classification Sherloc (09022015). Collection method: clinical testing. Allele origin: germline.

PreventionGenetics, part of Exact Sciences
Classification: Likely benign for SPECC1L-related condition. Last evaluated: 2024-06-10. Review status: no assertion criteria provided. Collection method: clinical testing. Allele origin: germline. Not counted in ClinVar's aggregate classification.
Comment: This variant is classified as likely benign based on ACMG/AMP sequence variant interpretation guidelines (Richards et al. 2015 PMID: 25741868, with internal and published modifications).

NM_015330.6(SPECC1L):c.895A>G (p.Thr299Ala)

Genes: SPECC1L (sperm antigen with calponin homology and coiled-coil domains 1 like; plus strand), SPECC1L-ADORA2A (SPECC1L-ADORA2A readthrough (NMD candidate); plus strand). Cytogenetic location: 22q11.23.
Variant type: single nucleotide variant.
Coding change: c.895A>G on transcript NM_015330.6 (MANE Select); coding-DNA position 895, A replaced by G.
Protein change: p.Thr299Ala; replaces threonine 299 with alanine.
Molecular consequence: missense variant. On other transcripts: non-coding transcript variant (1).
Genome position (GRCh38, 1-based): chr22:24,321,875, A>G. VCF-style: chr22-24321875-A-G. GRCh37 (hg19) VCF-style: chr22-24717843-A-G.
Other names: c.895A>G (NM_015330.4); c.895A>G, p.Thr299Ala (NM_001145468.4, NM_001254732.3); short protein forms T299A.
Identifiers: ClinVar variation 2967531 (VCV002967531.4), dbSNP rs146907080, ClinGen allele CA10152034.